The following is an entry in ClinVar:

NM_001130144.3(LTBP3):c.2141C>G (p.Pro714Arg)

Genes: LTBP3 (latent transforming growth factor beta binding protein 3; minus strand), LOC130006030 (ATAC-STARR-seq lymphoblastoid silent region 3533; plus strand). Cytogenetic location: 11q13.1.
Variant type: single nucleotide variant.
Coding change: c.2141C>G on transcript NM_001130144.3 (MANE Select); coding-DNA position 2141, C replaced by G.
Protein change: p.Pro714Arg; replaces proline 714 with arginine.
Molecular consequence: missense variant.
Genome position (GRCh38, 1-based): chr11:65,546,887, G>C on the plus strand (C>G on the coding strand, the complement: LTBP3 is on the minus strand). VCF-style: chr11-65546887-G-C. GRCh37 (hg19) VCF-style: chr11-65314358-G-C.
Other names: c.2141C>G (NM_001130144.2); c.1790C>G, p.Pro597Arg (NM_001164266.1); c.2141C>G, p.Pro714Arg (NM_021070.4); short protein forms P597R, P714R.
Identifiers: ClinVar variation 1402053 (VCV001402053.10), dbSNP rs1252981675, ClinGen allele CA381270147.

ClinVar aggregate classification (germline): Uncertain significance. Review status: criteria provided, multiple submitters, no conflicts (2 of 4 stars). 2 submissions from 2 submitters: Uncertain significance (2). Last evaluated 2023-09-06.

Conditions:
Inborn genetic diseases. Identifiers: MedGen C0950123, MeSH D030342.
Brachyolmia-amelogenesis imperfecta syndrome. Also called: PLATYSPONDYLY WITH AMELOGENESIS IMPERFECTA; Tooth agenesis, selective, 6; Dental anomalies and short stature. Identifiers: Orphanet 2899, MedGen C1832594, MONDO:0011018, OMIM 601216. Disease mechanism: loss of function.

gnomAD v4.1: 1 of 1,612,436 alleles (0.000062%); highest among the groups gnomAD compares: African/African-American, 0.0013%; no homozygotes.

Submissions (2):

Ambry Genetics
Classification: Uncertain significance for Inborn genetic diseases. Last evaluated: 2023-09-06. Review status: criteria provided, single submitter. Criteria: Ambry Variant Classification Scheme 2023. Collection method: clinical testing. Allele origin: germline.
Comment: The p.P714R variant (also known as c.2141C>G), located in coding exon 15 of the LTBP3 gene, results from a C to G substitution at nucleotide position 2141. The proline at codon 714 is replaced by arginine, an amino acid with dissimilar properties. This amino acid position is conserved. In addition, this alteration is predicted to be tolerated by in silico analysis. Since supporting evidence is limited at this time, the clinical significance of this alteration remains unclear.

Labcorp Genetics (formerly Invitae), Labcorp
Classification: Uncertain significance for Brachyolmia-amelogenesis imperfecta syndrome. Last evaluated: 2021-06-29. Review status: criteria provided, single submitter. Criteria: Invitae Variant Classification Sherloc (09022015). Collection method: clinical testing. Allele origin: germline.
Comment: This sequence change replaces proline with arginine at codon 714 of the LTBP3 protein (p.Pro714Arg). The proline residue is highly conserved and there is a moderate physicochemical difference between proline and arginine. This variant is not present in population databases (ExAC no frequency). This variant has not been reported in the literature in individuals affected with LTBP3-related conditions. Algorithms developed to predict the effect of missense changes on protein structure and function are either unavailable or do not agree on the potential impact of this missense change (SIFT: "Deleterious"; PolyPhen-2: "Probably Damaging"; Align-GVGD: "Class C0"). In summary, the available evidence is currently insufficient to determine the role of this variant in disease. Therefore, it has been classified as a Variant of Uncertain Significance.